The following is an entry in ClinVar:

NM_001013703.4(EIF2AK4):c.2310_2313del (p.Ser770fs)

Gene: EIF2AK4 (eukaryotic translation initiation factor 2 alpha kinase 4; plus strand). Cytogenetic location: 15q15.1.
Variant type: Deletion.
Coding change: c.2310_2313del on transcript NM_001013703.4 (MANE Select); coding-DNA positions 2310 to 2313, 4 bases deleted (TCAG; older notation c.2310_2313delTCAG).
Protein change: p.Ser770fs; shifts the reading frame from serine 770.
Molecular consequence: frameshift variant.
Genome position (GRCh38, 1-based): chr15:39,978,138-39,978,141, TCAG deleted; deleting any 4 consecutive bases within chr15:39,978,136-39,978,141 gives the same sequence; the c. name uses the placement nearest the transcript's 3' end. VCF-style (leftmost placement, unchanged base first): chr15-39978135-AAGTC-A. GRCh37 (hg19) VCF-style: chr15-40270336-AAGTC-A.
Other names: short protein forms S770fs.
Identifiers: ClinVar variation 4767795 (VCV004767795.1).

ClinVar aggregate classification (germline): Pathogenic (1 of 4 stars; one submission).

Submission:

Labcorp Genetics (formerly Invitae), Labcorp
Classification: Pathogenic. Last evaluated: 2025-12-27. Review status: criteria provided, single submitter. Criteria: Invitae Variant Classification Sherloc (09022015). Collection method: clinical testing. Allele origin: germline.
Comment: This sequence change creates a premature translational stop signal (p.Ser770Argfs*20) in the EIF2AK4 gene. It is expected to result in an absent or disrupted protein product. Loss-of-function variants in EIF2AK4 are known to be pathogenic (PMID: 12215525, 24135949, 24292273, 24310610, 28972005, 29743074). This variant is not present in population databases (gnomAD no frequency). This variant has not been reported in the literature in individuals affected with EIF2AK4-related conditions. For these reasons, this variant has been classified as Pathogenic.

Literature cited by the submitters: PubMed 12215525; PubMed 24135949; PubMed 24292273; PubMed 24310610; PubMed 28972005; PubMed 29743074.